The following is an entry in ClinVar:

NM_004990.4(MARS1):c.2590G>A (p.Ala864Thr)

Gene: MARS1 (methionyl-tRNA synthetase 1; plus strand). Cytogenetic location: 12q13.3.
Variant type: single nucleotide variant.
Coding change: c.2590G>A on transcript NM_004990.4 (MANE Select); coding-DNA position 2590, G replaced by A.
Protein change: p.Ala864Thr; replaces alanine 864 with threonine.
Molecular consequence: missense variant.
Genome position (GRCh38, 1-based): chr12:57,516,468, G>A. VCF-style: chr12-57516468-G-A. GRCh37 (hg19) VCF-style: chr12-57910251-G-A.
Other names: short protein forms A864T.
Identifiers: ClinVar variation 2199004 (VCV002199004.4), dbSNP rs1359283860, ClinGen allele CA385468688.

ClinVar aggregate classification (germline): Uncertain significance (1 of 4 stars; one submission).

Conditions:
Severe early-onset pulmonary alveolar proteinosis due to MARS deficiency. Also called: Interstitial lung and liver disease; PULMONARY ALVEOLAR PROTEINOSIS, REUNION ISLAND. Identifiers: Orphanet 440427, MedGen C4225400, MONDO:0014206, OMIM 615486.
Charcot-Marie-Tooth disease axonal type 2U. Also called: CHARCOT-MARIE-TOOTH NEUROPATHY, TYPE 2U; CHARCOT-MARIE-TOOTH DISEASE, AXONAL, AUTOSOMAL DOMINANT, TYPE 2U. Identifiers: Orphanet 397735, MedGen C4084821, MONDO:0014566, OMIM 616280.

Allele frequency attached by ClinVar (database versions not stated): gnomAD exomes 0.00001; TOPMed 0.00001; gnomAD 0.00001.
gnomAD v4.1: 4 of 1,613,570 alleles (0.00025%); highest among the groups gnomAD compares: Non-Finnish European, 0.00034%; no homozygotes.

Submission:

Labcorp Genetics (formerly Invitae), Labcorp
Classification: Uncertain significance for Charcot-Marie-Tooth disease axonal type 2U; Severe early-onset pulmonary alveolar proteinosis due to MARS deficiency. Last evaluated: 2025-11-12. Review status: criteria provided, single submitter. Criteria: Invitae Variant Classification Sherloc (09022015). Collection method: clinical testing. Allele origin: germline.
Comment: This sequence change replaces alanine, which is neutral and non-polar, with threonine, which is neutral and polar, at codon 864 of the MARS protein (p.Ala864Thr). The frequency data for this variant in the population databases is considered unreliable, as metrics indicate poor data quality at this position in the gnomAD database. This variant has not been reported in the literature in individuals affected with MARS-related conditions. ClinVar contains an entry for this variant (Variation ID: 2199004). An algorithm developed to predict the effect of missense changes on protein structure and function (PolyPhen-2) suggests that this variant is likely to be disruptive. In summary, the available evidence is currently insufficient to determine the role of this variant in disease. Therefore, it has been classified as a Variant of Uncertain Significance.